The following is an entry in ClinVar:

NM_017617.5(NOTCH1):c.1135A>C (p.Asn379His)

Gene: NOTCH1 (notch receptor 1; minus strand). Cytogenetic location: 9q34.3.
Variant type: single nucleotide variant.
Coding change: c.1135A>C on transcript NM_017617.5 (MANE Select); coding-DNA position 1135, A replaced by C.
Protein change: p.Asn379His; replaces asparagine 379 with histidine.
Molecular consequence: missense variant.
Genome position (GRCh38, 1-based): chr9:136,518,257, T>G on the plus strand (A>C on the coding strand, the complement: NOTCH1 is on the minus strand). VCF-style: chr9-136518257-T-G. GRCh37 (hg19) VCF-style: chr9-139412709-T-G.
Other names: short protein forms N379H.
Identifiers: ClinVar variation 943760 (VCV000943760.10), dbSNP rs758017301, ClinGen allele CA5341902.

ClinVar aggregate classification (germline): Conflicting classifications of pathogenicity. Review status: criteria provided, conflicting classifications (1 of 4 stars). 2 submissions from 2 submitters: Uncertain significance (1); Likely benign (1). Last evaluated 2025-08-19.

Conditions:
Familial thoracic aortic aneurysm and aortic dissection (TAAD). Also called: Thoracic aortic aneurysms and dissections. Identifiers: Orphanet 91387, MedGen C4707243, MONDO:0019625.
Adams-Oliver syndrome 5 (AOS5). Identifiers: Orphanet 974, MedGen C4014970, MONDO:0014459, OMIM 616028.

Allele frequency attached by ClinVar (database versions not stated): gnomAD exomes below 0.00001; ExAC 0.00001; gnomAD 0.00001; TOPMed 0.00002.
gnomAD v4.1: 1 of 1,611,212 alleles (0.000062%); highest among the groups gnomAD compares: Non-Finnish European, 0.000085%; no homozygotes.

Submissions (2):

Ambry Genetics
Classification: Uncertain significance for Familial thoracic aortic aneurysm and aortic dissection. Last evaluated: 2025-08-19. Review status: criteria provided, single submitter. Criteria: Ambry Variant Classification Scheme 2023. Collection method: clinical testing. Allele origin: germline.
Comment: The p.N379H variant (also known as c.1135A>C), located in coding exon 7 of the NOTCH1 gene, results from an A to C substitution at nucleotide position 1135. The asparagine at codon 379 is replaced by histidine, an amino acid with similar properties. This amino acid position is conserved. In addition, the in silico prediction for this alteration is inconclusive. Based on the available evidence, the clinical significance of this variant remains unclear.

Labcorp Genetics (formerly Invitae), Labcorp
Classification: Likely benign for Adams-Oliver syndrome 5. Last evaluated: 2024-11-27. Review status: criteria provided, single submitter. Criteria: Invitae Variant Classification Sherloc (09022015). Collection method: clinical testing. Allele origin: germline.